The following is an entry in ClinVar:

ClinVar aggregate classification (germline): Uncertain significance. Review status: criteria provided, multiple submitters, no conflicts (2 of 4 stars). 2 submissions from 2 submitters: Uncertain significance (2). Last evaluated 2023-06-17.

Conditions:
Cardiovascular phenotype. Identifiers: MedGen CN230736.

Allele frequency attached by ClinVar (database versions not stated): gnomAD exomes below 0.00001.
gnomAD v4.1: 2 of 1,614,032 alleles (0.00012%); highest among the groups gnomAD compares: Non-Finnish European, 0.00017%; no homozygotes.

Submissions (2):

Ambry Genetics
Classification: Uncertain significance for Cardiovascular phenotype. Last evaluated: 2023-06-17. Review status: criteria provided, single submitter. Criteria: Ambry Variant Classification Scheme 2023. Collection method: clinical testing. Allele origin: germline.
Comment: The p.Q601R variant (also known as c.1802A>G), located in coding exon 15 of the RAF1 gene, results from an A to G substitution at nucleotide position 1802. The glutamine at codon 601 is replaced by arginine, an amino acid with highly similar properties. This amino acid position is conserved. In addition, this alteration is predicted to be deleterious by in silico analysis. Since supporting evidence is limited at this time, the clinical significance of this alteration remains unclear.

Blueprint Genetics
Classification: Uncertain significance. Last evaluated: 2018-10-01. Review status: criteria provided, single submitter. Criteria: ACMG Guidelines, 2015. Collection method: clinical testing. Allele origin: germline.

NM_002880.4(RAF1):c.1802A>G (p.Gln601Arg)

Gene: RAF1 (Raf-1 proto-oncogene, serine/threonine kinase; minus strand). Cytogenetic location: 3p25.2.
Variant type: single nucleotide variant.
Coding change: c.1802A>G on transcript NM_002880.4 (MANE Select); coding-DNA position 1802, A replaced by G.
Protein change: p.Gln601Arg; replaces glutamine 601 with arginine.
Molecular consequence: missense variant. On other transcripts: non-coding transcript variant (3).
Genome position (GRCh38, 1-based): chr3:12,584,848, T>C on the plus strand (A>G on the coding strand, the complement: RAF1 is on the minus strand). VCF-style: chr3-12584848-T-C. GRCh37 (hg19) VCF-style: chr3-12626347-T-C.
Other names: c.1862A>G, p.Gln621Arg (NM_001354689.3); c.1802A>G, p.Gln601Arg (NM_001354690.3); c.1559A>G, p.Gln520Arg (NM_001354691.3, NM_001354692.3); c.1703A>G, p.Gln568Arg (NM_001354693.3); c.1619A>G, p.Gln540Arg (NM_001354694.3); c.1460A>G, p.Gln487Arg (NM_001354695.3); short protein forms Q601R, Q621R, Q487R, Q540R, Q568R, Q520R.
Identifiers: ClinVar variation 636805 (VCV000636805.4), dbSNP rs1398402832, ClinGen allele CA351496390.